The following is an entry in ClinVar:

ClinVar aggregate classification (germline): Uncertain significance (1 of 4 stars; one submission).

Conditions:
Idiopathic Pulmonary Fibrosis. Also called: Idiopathic fibrosing alveolitis, chronic form; idiopathic fibrosing alveolitis. Identifiers: Orphanet 2032, MedGen C1800706, MeSH D054990, MONDO:0800504.
Dyskeratosis congenita, autosomal dominant 2. Identifiers: MedGen C3151443, MONDO:0013521, OMIM 613989.

gnomAD v4.1: 1 of 1,610,134 alleles (0.000062%); highest among the groups gnomAD compares: Middle Eastern, 0.017%; no homozygotes.

Submission:

Labcorp Genetics (formerly Invitae), Labcorp
Classification: Uncertain significance for Dyskeratosis congenita, autosomal dominant 2; Idiopathic Pulmonary Fibrosis. Last evaluated: 2020-09-04. Review status: criteria provided, single submitter. Criteria: Invitae Variant Classification Sherloc (09022015). Collection method: clinical testing. Allele origin: germline.
Comment: In summary, the available evidence is currently insufficient to determine the role of this variant in disease. Therefore, it has been classified as a Variant of Uncertain Significance. Nucleotide substitutions within the consensus splice site are a relatively common cause of aberrant splicing (PMID: 17576681, 9536098). Algorithms developed to predict the effect of sequence changes on RNA splicing suggest that this variant is not likely to affect RNA splicing, but this prediction has not been confirmed by published transcriptional studies. This variant has not been reported in the literature in individuals with TERT-related conditions. This variant is not present in population databases (ExAC no frequency). This sequence change falls in intron 11 of the TERT gene. It does not directly change the encoded amino acid sequence of the TERT protein, but it affects a nucleotide within the consensus splice site of the intron.

Literature cited by the submitters: PubMed 17576681; PubMed 9536098.

NM_198253.3(TERT):c.2843+6C>A

Gene: TERT (telomerase reverse transcriptase; minus strand). Cytogenetic location: 5p15.33.
Variant type: single nucleotide variant.
Coding change: c.2843+6C>A on transcript NM_198253.3 (MANE Select); 6 bases into the intron after coding-DNA position 2843, C replaced by A.
Molecular consequence: intron variant.
Genome position (GRCh38, 1-based): chr5:1,264,398, G>T on the plus strand (C>A on the coding strand, the complement: TERT is on the minus strand). VCF-style: chr5-1264398-G-T. GRCh37 (hg19) VCF-style: chr5-1264513-G-T.
Other names: c.2654+2066C>A (NM_001193376.3).
Identifiers: ClinVar variation 1022861 (VCV001022861.7), dbSNP rs372086160, ClinGen allele CA1522543311.
Genomic context (GRCh38, chr5:1,264,398, plus strand): 5'-CAACGGCCCTGCAGCAGCACCTGCCCCAGCCGGGCACAGGCTCCACTTCCGGCCAGGTGC[G>T]CTCACCTGGAGTAGTCGCTCTGCACCTCCAGGGTCCGGGTATCCAGCAGCAGGCCGCACC-3'